The following is an entry in ClinVar:

NM_003848.4(SUCLG2):c.517G>T (p.Gly173Trp)

Gene: SUCLG2 (succinate-CoA ligase GDP-forming subunit beta; minus strand). Cytogenetic location: 3p14.1.
Variant type: single nucleotide variant.
Coding change: c.517G>T on transcript NM_003848.4 (MANE Select); coding-DNA position 517, G replaced by T.
Protein change: p.Gly173Trp; replaces glycine 173 with tryptophan.
Molecular consequence: missense variant.
Genome position (GRCh38, 1-based): chr3:67,520,535, C>A on the plus strand (G>T on the coding strand, the complement: SUCLG2 is on the minus strand). VCF-style: chr3-67520535-C-A. GRCh37 (hg19) VCF-style: chr3-67570959-C-A.
Other names: c.517G>T, p.Gly173Trp (NM_001177599.2); short protein forms G173W.
Identifiers: ClinVar variation 3171934 (VCV003171934.2), dbSNP rs757799757, ClinGen allele CA2486001.
Genomic context (GRCh38, chr3:67,520,535, plus strand): 5'-AACATACCTTAAAAATGAGCTCCGGGTTTGAAGCAGCCACCTCTTCAATGTCGACGCCCC[C>A]CTGGGGGCTGCCCACCAGCACGGGGCCATTGCAGGACCGGTCCATCAGAATTGCCAGGTA-3'
Protein context (NP_003839.2, residues 163-183): NGPVLVGSPQ[Gly173Trp]GVDIEEVAAS

ClinVar aggregate classification (germline): Uncertain significance. Review status: criteria provided, multiple submitters, no conflicts (2 of 4 stars). 2 submissions from 2 submitters: Uncertain significance (2). Last evaluated 2025-04-21.

gnomAD v4.1: 42 of 1,614,058 alleles (0.0026%); highest among the groups gnomAD compares: Non-Finnish European, 0.0028%; no homozygotes.

Submissions (2):

Labcorp Genetics (formerly Invitae), Labcorp
Classification: Uncertain significance. Last evaluated: 2025-04-21. Review status: criteria provided, single submitter. Criteria: Invitae Variant Classification Sherloc (09022015). Collection method: clinical testing. Allele origin: germline.
Comment: This sequence change replaces glycine, which is neutral and non-polar, with tryptophan, which is neutral and slightly polar, at codon 173 of the SUCLG2 protein (p.Gly173Trp). This variant is present in population databases (rs757799757, gnomAD 0.02%). This variant has not been reported in the literature in individuals affected with SUCLG2-related conditions. ClinVar contains an entry for this variant (Variation ID: 3171934). An algorithm developed to predict the effect of missense changes on protein structure and function (PolyPhen-2) suggests that this variant is likely to be disruptive. In summary, the available evidence is currently insufficient to determine the role of this variant in disease. Therefore, it has been classified as a Variant of Uncertain Significance.

Ambry Genetics
Classification: Uncertain significance. Last evaluated: 2023-12-14. Review status: criteria provided, single submitter. Criteria: Ambry Variant Classification Scheme 2023. Collection method: clinical testing. Allele origin: germline.